The following is an entry in ClinVar:

NM_201384.3(PLEC):c.7248G>T (p.Lys2416Asn)

Gene: PLEC (plectin; minus strand). Cytogenetic location: 8q24.3.
Variant type: single nucleotide variant.
Coding change: c.7248G>T on transcript NM_201384.3 (MANE Select); coding-DNA position 7248, G replaced by T.
Protein change: p.Lys2416Asn; replaces lysine 2416 with asparagine.
Molecular consequence: missense variant.
Genome position (GRCh38, 1-based): chr8:143,922,681, C>A on the plus strand (G>T on the coding strand, the complement: PLEC is on the minus strand). VCF-style: chr8-143922681-C-A. GRCh37 (hg19) VCF-style: chr8-144996849-C-A.
Other names: c.7329G>T, p.Lys2443Asn (NM_000445.5); c.7206G>T, p.Lys2402Asn (NM_201378.4); c.7182G>T, p.Lys2394Asn (NM_201379.3); c.7659G>T, p.Lys2553Asn (NM_201380.4); c.7152G>T, p.Lys2384Asn (NM_201381.3); c.7248G>T, p.Lys2416Asn (NM_201382.4); c.7260G>T, p.Lys2420Asn (NM_201383.3); short protein forms K2420N, K2394N, K2402N, K2553N, K2384N, K2416N, K2443N.
Identifiers: ClinVar variation 1487607 (VCV001487607.6), dbSNP rs373410130, ClinGen allele CA372528603.

ClinVar aggregate classification (germline): Uncertain significance (1 of 4 stars; one submission).

Conditions:
Epidermolysis bullosa simplex 5B, with muscular dystrophy (EBS5B). Also called: EPIDERMOLYSIS BULLOSA SIMPLEX AND LIMB-GIRDLE MUSCULAR DYSTROPHY; Epidermolysis bullosa simplex with muscular dystrophy. Identifiers: Orphanet 257, MedGen C2931072, MONDO:0009181, OMIM 226670.
Epidermolysis bullosa simplex 5C, with pyloric atresia (EBS5C). Also called: PLEC1-Related Epidermolysis Bullosa with Pyloric Atresia; PLEC-Related Epidermolysis Bullosa with Pyloric Atresia; Epidermolysis bullosa simplex with pyloric atresia. Identifiers: Orphanet 158684, MedGen C2677349, MONDO:0012807, OMIM 612138.
Epidermolysis bullosa simplex, Ogna type (EBS5A). Also called: Pidermolysis bullosa simplex 5A, Ogna type; EPIDERMOLYSIS BULLOSA SIMPLEX 5A, OGNA TYPE. Identifiers: Orphanet 79401, MedGen C0432317, MONDO:0007555, OMIM 131950.
Autosomal recessive limb-girdle muscular dystrophy type 2Q (LGMDR17). Also called: MUSCULAR DYSTROPHY, LIMB-GIRDLE, AUTOSOMAL RECESSIVE 17. Identifiers: Orphanet 254361, MedGen C3150989, MONDO:0013390, OMIM 613723.
Epidermolysis bullosa simplex with nail dystrophy (EBS5D). Identifiers: MedGen C4225309, MONDO:0014661, OMIM 616487.

Submission:

Labcorp Genetics (formerly Invitae), Labcorp
Classification: Uncertain significance for Autosomal recessive limb-girdle muscular dystrophy type 2Q; Epidermolysis bullosa simplex, Ogna type; Epidermolysis bullosa simplex with nail dystrophy; Epidermolysis bullosa simplex 5C, with pyloric atresia; Epidermolysis bullosa simplex 5B, with muscular dystrophy. Last evaluated: 2021-11-08. Review status: criteria provided, single submitter. Criteria: Invitae Variant Classification Sherloc (09022015). Collection method: clinical testing. Allele origin: germline.
Comment: This sequence change replaces lysine, which is basic and polar, with asparagine, which is neutral and polar, at codon 2443 of the PLEC protein (p.Lys2443Asn). This variant is not present in population databases (gnomAD no frequency). This variant has not been reported in the literature in individuals affected with PLEC-related conditions. Algorithms developed to predict the effect of missense changes on protein structure and function are either unavailable or do not agree on the potential impact of this missense change (SIFT: "Deleterious"; PolyPhen-2: "Probably Damaging"; Align-GVGD: "Class C0"). In summary, the available evidence is currently insufficient to determine the role of this variant in disease. Therefore, it has been classified as a Variant of Uncertain Significance.